The following is an entry in ClinVar:

ClinVar aggregate classification (germline): Uncertain significance (1 of 4 stars; one submission).

gnomAD v4.1: 1 of 1,611,484 alleles (0.000062%); highest among the groups gnomAD compares: African/African-American, 0.0013%; no homozygotes.

Submission:

Labcorp Genetics (formerly Invitae), Labcorp
Classification: Uncertain significance. Last evaluated: 2021-02-26. Review status: criteria provided, single submitter. Criteria: Invitae Variant Classification Sherloc (09022015). Collection method: clinical testing. Allele origin: germline.
Comment: This sequence change replaces lysine with arginine at codon 217 of the HOMER2 protein (p.Lys217Arg). The lysine residue is highly conserved and there is a small physicochemical difference between lysine and arginine. This variant is not present in population databases (ExAC no frequency). This variant has not been reported in the literature in individuals with HOMER2-related conditions. Algorithms developed to predict the effect of missense changes on protein structure and function are either unavailable or do not agree on the potential impact of this missense change (SIFT: "Deleterious"; PolyPhen-2: "Benign"; Align-GVGD: "Class C0"). Algorithms developed to predict the effect of sequence changes on RNA splicing suggest that this variant may disrupt the consensus splice site, but this prediction has not been confirmed by published transcriptional studies. In summary, the available evidence is currently insufficient to determine the role of this variant in disease. Therefore, it has been classified as a Variant of Uncertain Significance.

NM_004839.4(HOMER2):c.650A>G (p.Lys217Arg)

Gene: HOMER2 (homer scaffold protein 2; minus strand). Cytogenetic location: 15q25.2.
Variant type: single nucleotide variant.
Coding change: c.650A>G on transcript NM_004839.4 (MANE Select); coding-DNA position 650, A replaced by G.
Protein change: p.Lys217Arg; replaces lysine 217 with arginine.
Molecular consequence: missense variant.
Genome position (GRCh38, 1-based): chr15:82,854,645, T>C on the plus strand (A>G on the coding strand, the complement: HOMER2 is on the minus strand). VCF-style: chr15-82854645-T-C. GRCh37 (hg19) VCF-style: chr15-83523397-T-C.
Other names: c.683A>G, p.Lys228Arg (NM_199330.3); short protein forms K217R, K228R.
Identifiers: ClinVar variation 1510239 (VCV001510239.8), dbSNP rs775515730, ClinGen allele CA393321274.
Genomic context (GRCh38, chr15:82,854,645, plus strand): 5'-CCCATCTCCCACTGCCCACACCAGCTGGCCTCGGGGCTCACTGCATCCACCGTACCCACC[T>C]TGTTGCGGAGCCGGTCATTCTCATCACGGCAGATGGAGAACTGCCTCTTCCACTGCTCCA-3'
Protein context (NP_004830.2, residues 207-227): CRDENDRLRN[Lys217Arg]IDELEEQCSE